The following is an entry in ClinVar:

ClinVar aggregate classification (germline): Benign (1 of 4 stars; one submission).

Conditions:
Pitt-Hopkins syndrome (PTHS). Also called: ENCEPHALOPATHY, SEVERE EPILEPTIC, WITH AUTONOMIC DYSFUNCTION; MENTAL RETARDATION, SYNDROMAL, WITH INTERMITTENT HYPERVENTILATION. Identifiers: Orphanet 2896, MedGen C1970431, MONDO:0012589, OMIM 610954.

Allele frequency attached by ClinVar (database versions not stated): 1000 Genomes Project 30x 0.00078; 1000 Genomes Project 0.00080; gnomAD 0.00221 and 0.00249; TOPMed 0.00248.

Submission:

Illumina Laboratory Services, Illumina
Classification: Benign for Pitt-Hopkins syndrome. Last evaluated: 2018-01-13. Review status: criteria provided, single submitter. Criteria: ICSL Variant Classification Criteria 13 December 2019. Collection method: clinical testing. Allele origin: germline.
Comment: This variant was observed in the ICSL laboratory as part of a predisposition screen in an ostensibly healthy population. It had not been previously curated by ICSL or reported in the Human Gene Mutation Database (HGMD: prior to June 1st, 2018), and was therefore a candidate for classification through an automated scoring system. Utilizing variant allele frequency, disease prevalence and penetrance estimates, and inheritance mode, an automated score was calculated to assess if this variant is too frequent to cause the disease. Based on the score and internal cut-off values, a variant classified as benign is not then subjected to further curation. The score for this variant resulted in a classification of benign for this disease.

NM_001083962.2(TCF4):c.*1576T>C

Gene: TCF4 (transcription factor 4; minus strand). Cytogenetic location: 18q21.2.
Variant type: single nucleotide variant.
Coding change: c.*1576T>C on transcript NM_001083962.2 (MANE Select); 1576 bases downstream of the stop codon, T replaced by C.
Molecular consequence: 3 prime UTR variant.
Genome position (GRCh38, 1-based): chr18:55,226,459, A>G on the plus strand (T>C on the coding strand, the complement: TCF4 is on the minus strand). VCF-style: chr18-55226459-A-G. GRCh37 (hg19) VCF-style: chr18-52893690-A-G.
Other names: c.*1576T>C (NM_001243226.3, NM_001243227.2, NM_001243228.2 and 42 more transcripts).
Identifiers: ClinVar variation 327286 (VCV000327286.5), dbSNP rs190738599, ClinGen allele CA10647856.